The following is an entry in ClinVar:

ClinVar aggregate classification (germline): Pathogenic (1 of 4 stars; one submission).

Conditions:
3-Methylglutaconic aciduria type 2 (BTHS). Also called: CARDIOSKELETAL MYOPATHY WITH NEUTROPENIA AND ABNORMAL MITOCHONDRIA; Barth syndrome. Identifiers: Orphanet 111, MedGen C0574083, MONDO:0010543, OMIM 302060.

Submission:

Women's Health and Genetics/Laboratory Corporation of America, LabCorp
Classification: Pathogenic for 3-Methylglutaconic aciduria type 2. Last evaluated: 2026-05-18. Review status: criteria provided, single submitter. Criteria: LabCorp Variant Classification Summary - May 2015. Collection method: clinical testing. Allele origin: germline.
Comment: Variant summary: The variant involves the deletion of exons 1-11 in the TAFAZZIN gene. A presumed nomenclature of c.(?_-307)_(*723_?)del has been designated for the purposes of this classification. This deletion includes the entire coding sequence of the gene. As the exact proximal and distal breakpoints are unknown, it may extend beyond the annotated region of the gene to include other flanking genes. Loss-of-function variants in this gene are known to be pathogenic. The frequency of this variant in the general population could not be determined as the technology used for large population databases (ExAC, gnomAD, ESP, 1000G) cannot detect variants of this type. To our knowledge, no occurrence of c.(?_-307)_(*723_?)del in individuals affected with TAFAZZIN-related conditions and no experimental evidence demonstrating its impact on protein function have been reported. ClinVar contains an entry for this variant (Variation ID: 1070847). Based on the evidence outlined above, the variant was classified as pathogenic.

NC_000023.10:g.(?_153639874)_(153650066_?)del

Genes: DNASE1L1 (deoxyribonuclease 1 like 1; minus strand), TAFAZZIN (tafazzin, phospholipid-lysophospholipid transacylase; plus strand). Cytogenetic location: Xq28.
Variant type: Deletion.
Identifiers: ClinVar variation 4853030 (VCV004853030.1).